The following is an entry in ClinVar:

ClinVar aggregate classification (germline): Conflicting classifications of pathogenicity. Review status: criteria provided, conflicting classifications (1 of 4 stars). 5 submissions from 5 submitters: Uncertain significance (1); Likely benign (3). 1 of the submissions does not count toward it. Last evaluated 2026-01-25.

Conditions:
WDR35-related disorder. Also called: WDR35-related condition; WDR35-related disorders. Identifiers: MedGen CN239419.
Short-rib thoracic dysplasia 7 with or without polydactyly (SRTD7). Also called: Short rib polydactyly syndrome 5; SHORT-RIB THORACIC DYSPLASIA 7 WITH POLYDACTYLY. Identifiers: Orphanet 498497, Orphanet 93271, MedGen C3279792, MONDO:0013569, OMIM 614091.
Cranioectodermal dysplasia 2 (CED2). Identifiers: Orphanet 1515, MedGen C3150874, MONDO:0013323, OMIM 613610.

Allele frequency attached by ClinVar (database versions not stated): ExAC 0.00004; gnomAD exomes 0.00005; ESP Exome Variant Server 0.00008; gnomAD 0.00008 and 0.00009; TOPMed 0.00008; 1000 Genomes Project 30x 0.00016; 1000 Genomes Project 0.00020.
gnomAD v4.1: 66 of 1,614,164 alleles (0.0041%); highest among the groups gnomAD compares: Middle Eastern, 0.099%; no homozygotes.

Submissions (5):

Labcorp Genetics (formerly Invitae), Labcorp
Classification: Likely benign for Cranioectodermal dysplasia 2; Short-rib thoracic dysplasia 7 with or without polydactyly. Last evaluated: 2026-01-25. Review status: criteria provided, single submitter. Criteria: Invitae Variant Classification Sherloc (09022015). Collection method: clinical testing. Allele origin: germline.

Mayo Clinic Laboratories, Mayo Clinic
Classification: Likely benign. Last evaluated: 2025-07-24. Review status: criteria provided, single submitter. Criteria: ACMG Guidelines, 2015. Collection method: clinical testing. Allele origin: germline. Observed: 1 variant allele.
Comment: BP4, BP7

Blueprint Genetics
Classification: Likely benign. Last evaluated: 2024-08-12. Review status: criteria provided, single submitter. Criteria: ACMG Guidelines, 2015. Collection method: clinical testing. Allele origin: germline.

Eurofins Ntd Llc (ga)
Classification: Uncertain significance. Last evaluated: 2016-05-10. Review status: criteria provided, single submitter. Criteria: EGL Classification Definitions 2015. Collection method: clinical testing. Allele origin: germline. Observed: 1 variant allele, 1 heterozygote.

PreventionGenetics, part of Exact Sciences
Classification: Likely benign for WDR35-related condition. Last evaluated: 2019-06-23. Review status: no assertion criteria provided. Collection method: clinical testing. Allele origin: germline. Not counted in ClinVar's aggregate classification.
Comment: This variant is classified as likely benign based on ACMG/AMP sequence variant interpretation guidelines (Richards et al. 2015 PMID: 25741868, with internal and published modifications).

NM_020779.4(WDR35):c.2109T>G (p.Thr703=)

Gene: WDR35 (WD repeat domain 35; minus strand). Cytogenetic location: 2p24.1.
Variant type: single nucleotide variant.
Coding change: c.2109T>G on transcript NM_020779.4 (MANE Select); coding-DNA position 2109, T replaced by G.
Protein change: p.Thr703=; no amino-acid change (threonine 703 retained).
Molecular consequence: synonymous variant.
Genome position (GRCh38, 1-based): chr2:19,937,901, A>C on the plus strand (T>G on the coding strand, the complement: WDR35 is on the minus strand). VCF-style: chr2-19937901-A-C. GRCh37 (hg19) VCF-style: chr2-20137662-A-C.
Other names: p.Thr714=; c.2142T>G (NM_001006657.1); c.2142T>G, p.Thr714= (NM_001006657.2).
Identifiers: ClinVar variation 287739 (VCV000287739.17), dbSNP rs201822027, ClinGen allele CA1543035.